The following is an entry in ClinVar:

NM_207346.3(TSEN54):c.1381T>C (p.Phe461Leu)

Gene: TSEN54 (tRNA splicing endonuclease subunit 54; plus strand). Cytogenetic location: 17q25.1.
Variant type: single nucleotide variant.
Coding change: c.1381T>C on transcript NM_207346.3 (MANE Select); coding-DNA position 1381, T replaced by C.
Protein change: p.Phe461Leu; replaces phenylalanine 461 with leucine.
Molecular consequence: missense variant.
Genome position (GRCh38, 1-based): chr17:75,523,730, T>C. VCF-style: chr17-75523730-T-C. GRCh37 (hg19) VCF-style: chr17-73519811-T-C.
Other names: short protein forms F461L.
Identifiers: ClinVar variation 890282 (VCV000890282.5), dbSNP rs767683456, ClinGen allele CA8764422.
Genomic context (GRCh38, chr17:75,523,730, plus strand): 5'-GAGAAGTCTGGGGGCTTGGAAATCATCTTTGATGTTTACCAGGCCGACGCTGTGGCCACA[T>C]TCCGAAAGAATAACCCTGGCAAACCCTATGCCCGGATGTGCATTAGTGGGTACGCAGTGA-3'
Protein context (NP_997229.2, residues 451-471): DVYQADAVAT[Phe461Leu]RKNNPGKPYA

ClinVar aggregate classification (germline): Uncertain significance. Review status: criteria provided, multiple submitters, no conflicts (2 of 4 stars). 2 submissions from 2 submitters: Uncertain significance (2). Last evaluated 2018-04-27.

Conditions:
Pontoneocerebellar hypoplasia. Also called: Pontocerebellar hypoplasia; Non-syndromic pontocerebellar hypoplasia. Identifiers: Orphanet 98523, MedGen C1261175, MONDO:0020135.
Pontocerebellar hypoplasia type 5 (PCH5). Also called: Pontocerebellar Hypoplasia Type 5 (PCH5). Identifiers: Orphanet 166068, MedGen C1857762, MONDO:0012438, OMIM 610204.

Allele frequency attached by ClinVar (database versions not stated): gnomAD exomes below 0.00001 and 0.00001; ExAC 0.00001.
gnomAD v4.1: 4 of 1,614,118 alleles (0.00025%); highest among the groups gnomAD compares: South Asian, 0.0044%; no homozygotes.

Submissions (2):

Baylor Genetics
Classification: Uncertain significance for Pontocerebellar hypoplasia type 5. Last evaluated: 2018-04-27. Review status: criteria provided, single submitter. Criteria: ACMG Guidelines, 2015. Collection method: clinical testing. Allele origin: unknown. Affected: yes.
Comment: This variant was determined to be of uncertain significance according to ACMG Guidelines, 2015 [PMID:25741868].

Illumina Laboratory Services, Illumina
Classification: Uncertain significance for Pontoneocerebellar hypoplasia. Last evaluated: 2018-01-13. Review status: criteria provided, single submitter. Criteria: ICSL Variant Classification Criteria 13 December 2019. Collection method: clinical testing. Allele origin: germline.